The following is an entry in ClinVar:

ClinVar aggregate classification (germline): Uncertain significance. Review status: criteria provided, multiple submitters, no conflicts (2 of 4 stars). 3 submissions from 3 submitters: Uncertain significance (3). Last evaluated 2024-03-08.

Conditions:
Melanoma, cutaneous malignant, susceptibility to, 1 (CMM1). Also called: MELANOMA, MALIGNANT; DYSPLASTIC NEVUS SYNDROME, HEREDITARY; FAMILIAL ATYPICAL MOLE-MALIGNANT MELANOMA SYNDROME; B-K MOLE SYNDROME. Identifiers: Orphanet 618, MedGen C1835047, MONDO:0007963, OMIM 155600.
Cardiofaciocutaneous syndrome 1 (CFC1). Also called: BRAF-Related Cardiofaciocutaneous Syndrome; MAP2K1-Related Cardiofaciocutaneous Syndrome; KRAS-Related Cardiofaciocutaneous Syndrome; MAP2K2-Related Cardiofaciocutaneous Syndrome. Identifiers: Orphanet 1340, MedGen CN029449, MONDO:0007265, OMIM 115150. Disease mechanism: gain of function.
Colorectal cancer. Also called: Malignant Colorectal Neoplasm; Colorectal cancer, somatic. Identifiers: MedGen C0346629, MONDO:0005575, OMIM 114500.
Lung cancer. Also called: Lung cancer, somatic; Malignant tumor of lung. Identifiers: MedGen C0242379, MONDO:0008903, OMIM 211980.
LEOPARD syndrome 3 (LPRD3). Identifiers: Orphanet 500, MedGen C3150971, MONDO:0013380, OMIM 613707.
Noonan syndrome 7 (NS7). Also called: BRAF-Related Noonan Syndrome. Identifiers: Orphanet 648, MedGen C3150970, MONDO:0013379, OMIM 613706.
RASopathy. Also called: Noonan spectrum disorder; rasopathies. Identifiers: Orphanet 536391, MedGen C5555857, MONDO:0021060.

Allele frequency attached by ClinVar (database versions not stated): gnomAD 0.00001; gnomAD exomes 0.00001; 1000 Genomes Project 30x 0.00016.
gnomAD v4.1: 5 of 1,530,076 alleles (0.00033%); highest among the groups gnomAD compares: African/African-American, 0.0028%; no homozygotes.

Submissions (3):

Fulgent Genetics
Classification: Uncertain significance for Colorectal cancer; Cardiofaciocutaneous syndrome 1; Melanoma, cutaneous malignant, susceptibility to, 1; Lung cancer; Noonan syndrome 7; LEOPARD syndrome 3. Last evaluated: 2024-03-08. Review status: criteria provided, single submitter. Criteria: ACMG Guidelines, 2015. Collection method: clinical testing. Allele origin: germline.

Labcorp Genetics (formerly Invitae), Labcorp
Classification: Uncertain significance for RASopathy. Last evaluated: 2022-11-01. Review status: criteria provided, single submitter. Criteria: Invitae Variant Classification Sherloc (09022015). Collection method: clinical testing. Allele origin: germline.
Comment: In summary, the available evidence is currently insufficient to determine the role of this variant in disease. Therefore, it has been classified as a Variant of Uncertain Significance. Advanced modeling of protein sequence and biophysical properties (such as structural, functional, and spatial information, amino acid conservation, physicochemical variation, residue mobility, and thermodynamic stability) performed at Invitae indicates that this missense variant is not expected to disrupt BRAF protein function. ClinVar contains an entry for this variant (Variation ID: 282044). This variant has not been reported in the literature in individuals affected with BRAF-related conditions. This variant is present in population databases (no rsID available, gnomAD 0.02%). This sequence change replaces alanine, which is neutral and non-polar, with valine, which is neutral and non-polar, at codon 38 of the BRAF protein (p.Ala38Val).

Eurofins Ntd Llc (ga)
Classification: Uncertain significance. Last evaluated: 2015-07-30. Review status: criteria provided, single submitter. Criteria: EGL Classification Definitions 2015. Collection method: clinical testing. Allele origin: germline. Observed: 1 variant allele, 1 heterozygote.

NM_004333.6(BRAF):c.113C>T (p.Ala38Val)

Gene: BRAF (B-Raf proto-oncogene, serine/threonine kinase; minus strand). Cytogenetic location: 7q34.
Variant type: single nucleotide variant.
Coding change: c.113C>T on transcript NM_004333.6 (MANE Select); coding-DNA position 113, C replaced by T.
Protein change: p.Ala38Val; replaces alanine 38 with valine.
Molecular consequence: missense variant.
Genome position (GRCh38, 1-based): chr7:140,924,591, G>A on the plus strand (C>T on the coding strand, the complement: BRAF is on the minus strand). VCF-style: chr7-140924591-G-A. GRCh37 (hg19) VCF-style: chr7-140624391-G-A.
Other names: c.113C>T, p.Ala38Val (NM_001378474.1, NM_001378475.1, NM_001354609.2 and 7 more transcripts); short protein forms A38V.
Identifiers: ClinVar variation 282044 (VCV000282044.11), dbSNP rs886042293, ClinGen allele CA10604049.
Genomic context (GRCh38, chr7:140,924,591, plus strand): 5'-AGTCGGGAGGGCGGCAGGGTGGCGCCAGCACTCACCTCCTCCGGAATGGCAGGGTCCGCA[G>A]CCGAAGAGGCCGCGGCGCCGGCGCCGGCGCCGGCCTCGGGCTCCATGTCCCCGTTGAACA-3'
Protein context (NP_004324.2, residues 28-48): GAGAGAAASS[Ala38Val]ADPAIPEEVW